The following is an entry in ClinVar:

NM_021008.4(DEAF1):c.765C>G (p.Ser255Arg)

Gene: DEAF1 (DEAF1 transcription factor; minus strand). Cytogenetic location: 11p15.5.
Variant type: single nucleotide variant.
Coding change: c.765C>G on transcript NM_021008.4 (MANE Select); coding-DNA position 765, C replaced by G.
Protein change: p.Ser255Arg; replaces serine 255 with arginine.
Molecular consequence: missense variant. On other transcripts: intron variant (1).
Genome position (GRCh38, 1-based): chr11:686,897, G>C on the plus strand (C>G on the coding strand, the complement: DEAF1 is on the minus strand). VCF-style: chr11-686897-G-C. GRCh37 (hg19) VCF-style: chr11-686897-G-C.
Other names: c.39C>G, p.Ser13Arg (NM_001367390.1, NM_001440885.1, NM_001440886.1 and 1 more transcripts); c.765C>G, p.Ser255Arg (NM_001440883.1, NM_001440884.1); c.664+1014C>G (NM_001293634.2); short protein forms S255R, S13R.
Identifiers: ClinVar variation 1384757 (VCV001384757.6), dbSNP rs1860617180, ClinGen allele CA378932038.

ClinVar aggregate classification (germline): Uncertain significance (1 of 4 stars; one submission).

Submission:

Labcorp Genetics (formerly Invitae), Labcorp
Classification: Uncertain significance. Last evaluated: 2024-05-15. Review status: criteria provided, single submitter. Criteria: Invitae Variant Classification Sherloc (09022015). Collection method: clinical testing. Allele origin: germline.
Comment: This sequence change replaces serine, which is neutral and polar, with arginine, which is basic and polar, at codon 255 of the DEAF1 protein (p.Ser255Arg). This variant is not present in population databases (gnomAD no frequency). This variant has not been reported in the literature in individuals affected with DEAF1-related conditions. ClinVar contains an entry for this variant (Variation ID: 1384757). Advanced modeling of protein sequence and biophysical properties (such as structural, functional, and spatial information, amino acid conservation, physicochemical variation, residue mobility, and thermodynamic stability) performed at Invitae indicates that this missense variant is expected to disrupt DEAF1 protein function with a positive predictive value of 95%. In summary, the available evidence is currently insufficient to determine the role of this variant in disease. Therefore, it has been classified as a Variant of Uncertain Significance.